The following is an entry in ClinVar:

ClinVar aggregate classification (germline): Uncertain significance (1 of 4 stars; one submission).

gnomAD v4.1: 18 of 1,599,882 alleles (0.0011%); highest among the groups gnomAD compares: Non-Finnish European, 0.0015%; no homozygotes.

Submission:

Athena Diagnostics
Classification: Uncertain significance. Last evaluated: 2024-10-21. Review status: criteria provided, single submitter. Criteria: Athena Diagnostics Criteria. Collection method: clinical testing. Allele origin: unknown.
Comment: Available data are insufficient to determine the clinical significance of the variant at this time. This variant has not been reported in large, multi-ethnic general populations. Polyphen and MutationTaster predict this amino acid change may be damaging to the protein.

Literature cited by the submitters: PubMed 33574475.

NM_005529.7(HSPG2):c.1955C>G (p.Thr652Ser)

Gene: HSPG2 (heparan sulfate proteoglycan 2; minus strand). Cytogenetic location: 1p36.12.
Variant type: single nucleotide variant.
Coding change: c.1955C>G on transcript NM_005529.7 (MANE Select); coding-DNA position 1955, C replaced by G.
Protein change: p.Thr652Ser; replaces threonine 652 with serine.
Molecular consequence: missense variant.
Genome position (GRCh38, 1-based): chr1:21,880,699, G>C on the plus strand (C>G on the coding strand, the complement: HSPG2 is on the minus strand). VCF-style: chr1-21880699-G-C. GRCh37 (hg19) VCF-style: chr1-22207192-G-C.
Other names: c.1958C>G, p.Thr653Ser (NM_001291860.2); short protein forms T652S, T653S.
Identifiers: ClinVar variation 3571622 (VCV003571622.1).